The following is an entry in ClinVar:

NM_033402.5(LRRCC1):c.952G>A (p.Val318Ile)

Gene: LRRCC1 (leucine rich repeat and coiled-coil centrosomal protein 1; plus strand). Cytogenetic location: 8q21.2.
Variant type: single nucleotide variant.
Coding change: c.952G>A on transcript NM_033402.5 (MANE Select); coding-DNA position 952, G replaced by A.
Protein change: p.Val318Ile; replaces valine 318 with isoleucine.
Molecular consequence: missense variant. On other transcripts: intron variant (1).
Genome position (GRCh38, 1-based): chr8:85,123,434, G>A. VCF-style: chr8-85123434-G-A. GRCh37 (hg19) VCF-style: chr8-86035669-G-A.
Other names: c.673G>A, p.Val225Ile (NM_001349636.2); c.526G>A, p.Val176Ile (NM_001349637.2); c.55G>A, p.Val19Ile (NM_001349638.2); c.-13-1358G>A (NM_001349639.2); c.952G>A (NM_033402.4); short protein forms V176I, V19I, V318I, V225I.
Identifiers: ClinVar variation 1516871 (VCV001516871.7), dbSNP rs370959283, ClinGen allele CA4794525.

ClinVar aggregate classification (germline): Uncertain significance. Review status: criteria provided, multiple submitters, no conflicts (2 of 4 stars). 2 submissions from 2 submitters: Uncertain significance (2). Last evaluated 2025-08-04.

Allele frequency attached by ClinVar (database versions not stated): gnomAD 0.00001; gnomAD exomes 0.00001; TOPMed 0.00002; ExAC 0.00003; ESP Exome Variant Server 0.00009.
gnomAD v4.1: 13 of 1,597,140 alleles (0.00081%); highest among the groups gnomAD compares: Middle Eastern, 0.017%; no homozygotes.

Submissions (2):

Ambry Genetics
Classification: Uncertain significance. Last evaluated: 2025-08-04. Review status: criteria provided, single submitter. Criteria: Ambry Variant Classification Scheme 2023. Collection method: clinical testing. Allele origin: germline.

Labcorp Genetics (formerly Invitae), Labcorp
Classification: Uncertain significance. Last evaluated: 2022-06-27. Review status: criteria provided, single submitter. Criteria: Invitae Variant Classification Sherloc (09022015). Collection method: clinical testing. Allele origin: germline.
Comment: This sequence change replaces valine, which is neutral and non-polar, with isoleucine, which is neutral and non-polar, at codon 318 of the LRRCC1 protein (p.Val318Ile). The frequency data for this variant in the population databases is considered unreliable, as metrics indicate poor data quality at this position in the gnomAD database. This variant has not been reported in the literature in individuals affected with LRRCC1-related conditions. Algorithms developed to predict the effect of missense changes on protein structure and function output the following: SIFT: "Tolerated"; PolyPhen-2: "Benign"; Align-GVGD: "Class C0". The isoleucine amino acid residue is found in multiple mammalian species, which suggests that this missense change does not adversely affect protein function. In summary, the available evidence is currently insufficient to determine the role of this variant in disease. Therefore, it has been classified as a Variant of Uncertain Significance.